The following is an entry in ClinVar:

NM_000252.3(MTM1):c.757C>T (p.Arg253Ter)

Gene: MTM1 (myotubularin 1; plus strand). Cytogenetic location: Xq28.
Variant type: single nucleotide variant.
Coding change: c.757C>T on transcript NM_000252.3 (MANE Select); coding-DNA position 757, C replaced by T.
Protein change: p.Arg253Ter; replaces arginine 253 with a stop codon.
Molecular consequence: nonsense.
Genome position (GRCh38, 1-based): chrX:150,645,761, C>T. VCF-style: chrX-150645761-C-T. GRCh37 (hg19) VCF-style: chrX-149814234-C-T.
Other names: c.757C>T, p.Arg253Ter (NM_001376906.1, NM_001376908.1); c.646C>T, p.Arg216Ter (NM_001376907.1); short protein forms R253*, R216*.
Identifiers: ClinVar variation 159001 (VCV000159001.21), dbSNP rs587783854, ClinGen allele CA271933.

ClinVar aggregate classification (germline): Pathogenic. Review status: criteria provided, multiple submitters, no conflicts (2 of 4 stars). 5 submissions from 5 submitters: Pathogenic (4). 1 of the submissions does not count toward it. Last evaluated 2025-12-10.

Conditions:
Severe X-linked myotubular myopathy (CNMX). Also called: MYOTUBULAR MYOPATHY 1; X-linked centronuclear myopathy; Myotubular myopathy, X-linked. Identifiers: Orphanet 596, MedGen C0410203, MONDO:0010683, OMIM 310400.

Allele frequency attached by ClinVar (database versions not stated): gnomAD exomes below 0.00001.

Submissions (5):

Labcorp Genetics (formerly Invitae), Labcorp
Classification: Pathogenic for Severe X-linked myotubular myopathy. Last evaluated: 2025-12-10. Review status: criteria provided, single submitter. Criteria: Invitae Variant Classification Sherloc (09022015). Collection method: clinical testing. Allele origin: germline.
Comment: This sequence change creates a premature translational stop signal (p.Arg253*) in the MTM1 gene. It is expected to result in an absent or disrupted protein product. Loss-of-function variants in MTM1 are known to be pathogenic (PMID: 9305655, 10063835). This variant is not present in population databases (gnomAD no frequency). This premature translational stop signal has been observed in individuals with congenital myopathy (PMID: 9858861, 12031625, 12522554, 15883335, 27017278). This variant is also known as p.R271X. ClinVar contains an entry for this variant (Variation ID: 159001). For these reasons, this variant has been classified as Pathogenic.

Revvity Omics, Revvity
Classification: Pathogenic. Last evaluated: 2022-05-26. Review status: criteria provided, single submitter. Criteria: ACMG Guidelines, 2015. Collection method: clinical testing. Allele origin: germline.

GeneDx
Classification: Pathogenic. Last evaluated: 2018-09-17. Review status: criteria provided, single submitter. Criteria: GeneDx Variant Classification (06012015). Collection method: clinical testing. Allele origin: germline. Affected: yes.
Comment: The R253X variant in the MTM1 gene has been reported previously multiple times as a hemizygous variant in males with features consistent with severe myotubular myopathy (Flex et al., 2002; Biancalana et al., 2003; Longo et al., 2016; Savarese et al., 2016). The R253X variant was also reported in heterozygous state in a study looking at manifesting carriers in a single family with three females with mild muscle disease as well as multiple asymptomatic female relatives; however, X-inactivation studies did not demonstrate skewed X-inactivation in the symptomatic female carriers in this family (Grogan et al., 2005). This variant is predicted to cause loss of normal protein function either through protein truncation or nonsense-mediated mRNA decay. The R253X variant is not observed in large population cohorts (Lek et al., 2016). We interpret R253X as a pathogenic variant.

Genetic Services Laboratory, University of Chicago
Classification: Pathogenic for Myotubular myopathy, X-linked. Last evaluated: 2013-02-08. Review status: criteria provided, single submitter. Criteria: ACMG Guidelines, 2007. Collection method: clinical testing. Allele origin: germline. Inheritance: X-linked inheritance. Affected: yes.

Clinical Molecular Genetics Laboratory, Johns Hopkins All Children's Hospital
Classification: Pathogenic for Severe X-linked myotubular myopathy. Last evaluated: 2010-01-20. Review status: no assertion criteria provided. Collection method: clinical testing. Allele origin: germline. Affected: yes. Not counted in ClinVar's aggregate classification.

Literature cited by the submitters: PubMed 9305655 (cited by Labcorp Genetics (formerly Invitae), Labcorp); PubMed 10063835 (cited by Labcorp Genetics (formerly Invitae), Labcorp); PubMed 9858861 (cited by Labcorp Genetics (formerly Invitae), Labcorp); PubMed 12031625 (cited by Labcorp Genetics (formerly Invitae), Labcorp); PubMed 12522554 (cited by Labcorp Genetics (formerly Invitae), Labcorp); PubMed 15883335 (cited by Labcorp Genetics (formerly Invitae), Labcorp); PubMed 27017278 (cited by Labcorp Genetics (formerly Invitae), Labcorp).